The following is an entry in ClinVar:

ClinVar aggregate classification (germline): Uncertain significance (1 of 4 stars; one submission).

Conditions:
Catecholaminergic polymorphic ventricular tachycardia 1. Also called: VENTRICULAR TACHYCARDIA, CATECHOLAMINERGIC POLYMORPHIC, 1, WITH OR WITHOUT ATRIAL DYSFUNCTION AND/OR DILATED CARDIOMYOPATHY; VENTRICULAR TACHYCARDIA, STRESS-INDUCED POLYMORPHIC 1; RYR2-Related Catecholaminergic Polymorphic Ventricular Tachycardia. Identifiers: Orphanet 3286, MedGen C1631597, MONDO:0011484, OMIM 604772.

Allele frequency attached by ClinVar (database versions not stated): gnomAD exomes below 0.00001; ExAC 0.00001; gnomAD 0.00001; TOPMed 0.00001.
gnomAD v4.1: 2 of 1,613,588 alleles (0.00012%); highest among the groups gnomAD compares: African/African-American, 0.0013%; no homozygotes.

Submission:

Labcorp Genetics (formerly Invitae), Labcorp
Classification: Uncertain significance for Catecholaminergic polymorphic ventricular tachycardia 1. Last evaluated: 2021-04-10. Review status: criteria provided, single submitter. Criteria: Invitae Variant Classification Sherloc (09022015). Collection method: clinical testing. Allele origin: germline.
Comment: In summary, the available evidence is currently insufficient to determine the role of this variant in disease. Therefore, it has been classified as a Variant of Uncertain Significance. Algorithms developed to predict the effect of missense changes on protein structure and function output the following: SIFT: "Tolerated"; PolyPhen-2: "Benign"; Align-GVGD: "Class C0". The aspartic acid amino acid residue is found in multiple mammalian species, suggesting that this missense change does not adversely affect protein function. These predictions have not been confirmed by published functional studies and their clinical significance is uncertain. This variant has not been reported in the literature in individuals with TRDN-related conditions. This variant is present in population databases (rs746983339, ExAC 0.002%). This sequence change replaces glutamic acid with aspartic acid at codon 254 of the TRDN protein (p.Glu254Asp). The glutamic acid residue is moderately conserved and there is a small physicochemical difference between glutamic acid and aspartic acid.

NM_006073.4(TRDN):c.762G>C (p.Glu254Asp)

Gene: TRDN (triadin; minus strand). Cytogenetic location: 6q22.31.
Variant type: single nucleotide variant.
Coding change: c.762G>C on transcript NM_006073.4 (MANE Select); coding-DNA position 762, G replaced by C.
Protein change: p.Glu254Asp; replaces glutamic acid 254 with aspartic acid.
Molecular consequence: missense variant.
Genome position (GRCh38, 1-based): chr6:123,503,750, C>G on the plus strand (G>C on the coding strand, the complement: TRDN is on the minus strand). VCF-style: chr6-123503750-C-G. GRCh37 (hg19) VCF-style: chr6-123824895-C-G.
Other names: c.762G>C, p.Glu254Asp (NM_001251987.2, NM_001256020.2, NM_001256021.2); short protein forms E254D.
Identifiers: ClinVar variation 1397721 (VCV001397721.47), dbSNP rs746983339, ClinGen allele CA3984298.